The following is an entry in ClinVar:

ClinVar aggregate classification (germline): Uncertain significance. Review status: criteria provided, multiple submitters, no conflicts (2 of 4 stars). 2 submissions from 2 submitters: Uncertain significance (2). Last evaluated 2024-10-22.

Conditions:
Inborn genetic diseases. Identifiers: MedGen C0950123, MeSH D030342.
ARL6-related disorder. Also called: ARL6-related condition.

gnomAD v4.1: 1 of 1,613,050 alleles (0.000062%); highest among the groups gnomAD compares: Non-Finnish European, 0.000085%; no homozygotes.

Submissions (2):

PreventionGenetics, part of Exact Sciences
Classification: Uncertain significance for ARL6-related condition. Last evaluated: 2024-10-22. Review status: criteria provided, single submitter. Criteria: ACMG Guidelines, 2015. Collection method: clinical testing. Allele origin: germline.
Comment: The ARL6 c.163A>G variant is predicted to result in the amino acid substitution p.Ile55Val. To our knowledge, this variant has not been reported in the literature or in a large population database (gnomAD), indicating this variant is rare. At this time, the clinical significance of this variant is uncertain due to the absence of conclusive functional and genetic evidence.

Ambry Genetics
Classification: Uncertain significance for Inborn genetic diseases. Last evaluated: 2024-05-20. Review status: criteria provided, single submitter. Criteria: Ambry Variant Classification Scheme 2023. Collection method: clinical testing. Allele origin: germline.

NM_001278293.3(ARL6):c.163A>G (p.Ile55Val)

Gene: ARL6 (ARF like GTPase 6; plus strand). Cytogenetic location: 3q11.2.
Variant type: single nucleotide variant.
Coding change: c.163A>G on transcript NM_001278293.3 (MANE Select); coding-DNA position 163, A replaced by G.
Protein change: p.Ile55Val; replaces isoleucine 55 with valine.
Molecular consequence: missense variant. On other transcripts: non-coding transcript variant (7).
Genome position (GRCh38, 1-based): chr3:97,780,198, A>G. VCF-style: chr3-97780198-A-G. GRCh37 (hg19) VCF-style: chr3-97499042-A-G.
Other names: c.163A>G, p.Ile55Val (NM_001323513.2, NM_001323514.2, NM_032146.5 and 1 more transcripts); short protein forms I55V.
Identifiers: ClinVar variation 3315177 (VCV003315177.2).